The following is an entry in ClinVar:

NM_000222.3(KIT):c.1752T>G (p.Phe584Leu)

Gene: KIT (KIT proto-oncogene, receptor tyrosine kinase; plus strand). Cytogenetic location: 4q12.
Variant type: single nucleotide variant.
Coding change: c.1752T>G on transcript NM_000222.3 (MANE Select); coding-DNA position 1752, T replaced by G.
Protein change: p.Phe584Leu; replaces phenylalanine 584 with leucine.
Molecular consequence: missense variant.
Genome position (GRCh38, 1-based): chr4:54,727,520, T>G. VCF-style: chr4-54727520-T-G. GRCh37 (hg19) VCF-style: chr4-55593686-T-G.
Other names: F584L; c.1740T>G, p.Phe580Leu (NM_001093772.2, NM_001385286.1); c.1755T>G, p.Phe585Leu (NM_001385284.1, NM_001385290.1); c.1752T>G, p.Phe584Leu (NM_001385285.1); c.1743T>G, p.Phe581Leu (NM_001385288.1, NM_001385292.1); short protein forms F580L, F581L, F585L.
Identifiers: ClinVar variation 13845 (VCV000013845.11), dbSNP rs794726671, ClinGen allele CA123502.

ClinVar aggregate classification (germline): Uncertain significance. Review status: criteria provided, single submitter (1 of 4 stars). 2 submissions from 2 submitters: Uncertain significance (1). 1 of the submissions does not count toward it. Last evaluated 2021-01-29.

Conditions:
Gastrointestinal stromal tumor. Also called: Gastrointestinal stromal tumor, somatic; Gastrointestinal stroma tumor. Identifiers: Orphanet 44890, MedGen C0238198, MeSH D046152, MONDO:0011719, OMIM 606764, HP:0100723.
Piebaldism. Also called: Piebald skin depigmentation. Identifiers: Orphanet 2884, MedGen C0080024, MONDO:0008244, OMIM 172800, HP:0007544.

Submissions (2):

Labcorp Genetics (formerly Invitae), Labcorp
Classification: Uncertain significance for Gastrointestinal stromal tumor. Last evaluated: 2021-01-29. Review status: criteria provided, single submitter. Criteria: Invitae Variant Classification Sherloc (09022015). Collection method: clinical testing. Allele origin: germline.
Comment: In summary, the available evidence is currently insufficient to determine the role of this variant in disease. Therefore, it has been classified as a Variant of Uncertain Significance. This variant disrupts the p.Phe584 amino acid residue in KIT. Other variant(s) that disrupt this residue have been observed in individuals with KIT-related conditions (PMID: 11074500), which suggests that this may be a clinically significant amino acid residue. Algorithms developed to predict the effect of missense changes on protein structure and function are either unavailable or do not agree on the potential impact of this missense change (SIFT: "Deleterious"; PolyPhen-2: "Possibly Damaging"; Align-GVGD: "Class C15"). This missense change has been observed in individual(s) with clinical features of KIT-related conditions (PMID: 1370874, 22670867). ClinVar contains an entry for this variant (Variation ID: 13845). This variant is not present in population databases (ExAC no frequency). This sequence change replaces phenylalanine with leucine at codon 584 of the KIT protein (p.Phe584Leu). The phenylalanine residue is highly conserved and there is a small physicochemical difference between phenylalanine and leucine.

OMIM
Classification: Pathogenic for PIEBALDISM. Last evaluated: 1992-02-01. Review status: no assertion criteria provided. Collection method: literature only. Allele origin: germline. Not counted in ClinVar's aggregate classification.

Literature cited by the submitters: PubMed 11074500 (cited by Labcorp Genetics (formerly Invitae), Labcorp); PubMed 1370874 (cited by Labcorp Genetics (formerly Invitae), Labcorp and OMIM); PubMed 22670867 (cited by Labcorp Genetics (formerly Invitae), Labcorp).